The following is an entry in ClinVar:

NM_001372.4(DNAH9):c.308T>A (p.Phe103Tyr)

Gene: DNAH9 (dynein axonemal heavy chain 9; plus strand). Cytogenetic location: 17p12.
Variant type: single nucleotide variant.
Coding change: c.308T>A on transcript NM_001372.4 (MANE Select); coding-DNA position 308, T replaced by A.
Protein change: p.Phe103Tyr; replaces phenylalanine 103 with tyrosine.
Molecular consequence: missense variant.
Genome position (GRCh38, 1-based): chr17:11,598,806, T>A. VCF-style: chr17-11598806-T-A. GRCh37 (hg19) VCF-style: chr17-11502123-T-A.
Other names: short protein forms F103Y.
Identifiers: ClinVar variation 3670639 (VCV003670639.1).

ClinVar aggregate classification (germline): Uncertain significance (1 of 4 stars; one submission).

gnomAD v4.1: 44 of 1,480,434 alleles (0.003%); highest among the groups gnomAD compares: South Asian, 0.01%; 1 homozygote.

Submission:

Labcorp Genetics (formerly Invitae), Labcorp
Classification: Uncertain significance. Last evaluated: 2024-02-11. Review status: criteria provided, single submitter. Criteria: Invitae Variant Classification Sherloc (09022015). Collection method: clinical testing. Allele origin: germline.
Comment: This sequence change replaces phenylalanine, which is neutral and non-polar, with tyrosine, which is neutral and polar, at codon 103 of the DNAH9 protein (p.Phe103Tyr). This variant is present in population databases (rs373784591, gnomAD 0.01%). This variant has not been reported in the literature in individuals affected with DNAH9-related conditions. Advanced modeling of protein sequence and biophysical properties (such as structural, functional, and spatial information, amino acid conservation, physicochemical variation, residue mobility, and thermodynamic stability) performed at Invitae indicates that this missense variant is expected to disrupt DNAH9 protein function with a positive predictive value of 80%. In summary, the available evidence is currently insufficient to determine the role of this variant in disease. Therefore, it has been classified as a Variant of Uncertain Significance.